The following is an entry in ClinVar:

NM_000136.3(FANCC):c.371C>A (p.Ala124Glu)

Gene: FANCC (FA complementation group C; minus strand). Cytogenetic location: 9q22.32.
Variant type: single nucleotide variant.
Coding change: c.371C>A on transcript NM_000136.3 (MANE Select); coding-DNA position 371, C replaced by A.
Protein change: p.Ala124Glu; replaces alanine 124 with glutamic acid.
Molecular consequence: missense variant.
Genome position (GRCh38, 1-based): chr9:95,172,122, G>T on the plus strand (C>A on the coding strand, the complement: FANCC is on the minus strand). VCF-style: chr9-95172122-G-T. GRCh37 (hg19) VCF-style: chr9-97934404-G-T.
Other names: c.371C>A, p.Ala124Glu (NM_001243743.2, NM_001243744.2); short protein forms A124E.
Identifiers: ClinVar variation 1734267 (VCV001734267.4), dbSNP rs374602991, ClinGen allele CA5137752.

ClinVar aggregate classification (germline): Uncertain significance. Review status: criteria provided, multiple submitters, no conflicts (2 of 4 stars). 2 submissions from 2 submitters: Uncertain significance (2). Last evaluated 2026-06-13.

Conditions:
Hereditary cancer-predisposing syndrome. Also called: Neoplastic Syndromes, Hereditary; Tumor predisposition; Hereditary neoplastic syndrome; Hereditary Cancer Syndrome. Identifiers: Orphanet 140162, MedGen C0027672, MeSH D009386, MONDO:0015356.

Allele frequency attached by ClinVar (database versions not stated): gnomAD 0.00001; TOPMed 0.00001.
gnomAD v4.1: 4 of 1,612,028 alleles (0.00025%); highest among the groups gnomAD compares: Admixed American, 0.0067%; no homozygotes.

Submissions (2):

Women's Health and Genetics/Laboratory Corporation of America, LabCorp
Classification: Uncertain significance. Last evaluated: 2026-06-13. Review status: criteria provided, single submitter. Criteria: LabCorp Variant Classification Summary - May 2015. Collection method: clinical testing. Allele origin: germline.

Ambry Genetics
Classification: Uncertain significance for Hereditary cancer-predisposing syndrome. Last evaluated: 2025-10-11. Review status: criteria provided, single submitter. Criteria: Ambry Variant Classification Scheme 2023. Collection method: clinical testing. Allele origin: germline.
Comment: The p.A124E variant (also known as c.371C>A), located in coding exon 4 of the FANCC gene, results from a C to A substitution at nucleotide position 371. The alanine at codon 124 is replaced by glutamic acid, an amino acid with dissimilar properties. This amino acid position is not well conserved in available vertebrate species. In addition, this alteration is predicted to be tolerated by in silico analysis. Since supporting evidence is limited at this time, the clinical significance of this alteration remains unclear.